The following is an entry in ClinVar:

ClinVar aggregate classification (germline): Likely benign. Review status: criteria provided, multiple submitters, no conflicts (2 of 4 stars). 2 submissions from 2 submitters: Likely benign (2). Last evaluated 2024-08-06.

Conditions:
Emery-Dreifuss muscular dystrophy 5, autosomal dominant (EDMD5). Also called: EMERY-DREIFUSS MUSCULAR DYSTROPHY 5. Identifiers: Orphanet 261, MedGen C2751805, MONDO:0013072, OMIM 612999.

Allele frequency attached by ClinVar (database versions not stated): gnomAD exomes 0.00004; ExAC 0.00007; ESP Exome Variant Server 0.00008; 1000 Genomes Project 30x 0.00016; 1000 Genomes Project 0.00020.
gnomAD v4.1: 71 of 1,614,156 alleles (0.0044%); highest among the groups gnomAD compares: Middle Eastern, 0.033%; no homozygotes.

Submissions (2):

Labcorp Genetics (formerly Invitae), Labcorp
Classification: Likely benign for Emery-Dreifuss muscular dystrophy 5, autosomal dominant. Last evaluated: 2024-08-06. Review status: criteria provided, single submitter. Criteria: Invitae Variant Classification Sherloc (09022015). Collection method: clinical testing. Allele origin: germline.

CeGaT Center for Human Genetics Tuebingen
Classification: Likely benign. Last evaluated: 2022-07-01. Review status: criteria provided, single submitter. Criteria: CeGaT Center For Human Genetics Tuebingen Variant Classification Criteria Version 2. Collection method: clinical testing. Allele origin: germline. Affected: yes. Observed: 1 variant allele.
Comment: SYNE2: BP4, BP7

NM_182914.3(SYNE2):c.19515G>A (p.Ala6505=)

Gene: SYNE2 (spectrin repeat containing nuclear envelope protein 2; plus strand). Cytogenetic location: 14q23.2.
Variant type: single nucleotide variant.
Coding change: c.19515G>A on transcript NM_182914.3 (MANE Select); coding-DNA position 19515, G replaced by A.
Protein change: p.Ala6505=; no amino-acid change (alanine 6505 retained).
Molecular consequence: synonymous variant.
Genome position (GRCh38, 1-based): chr14:64,216,360, G>A. VCF-style: chr14-64216360-G-A. GRCh37 (hg19) VCF-style: chr14-64683078-G-A.
Other names: c.19446G>A, p.Ala6482= (NM_015180.6); c.39G>A, p.Ala13= (NM_182910.2); c.417G>A, p.Ala139= (NM_182913.4).
Identifiers: ClinVar variation 2071679 (VCV002071679.28), dbSNP rs372269749, ClinGen allele CA7224467.